The following is an entry in ClinVar:

NM_000400.4(ERCC2):c.494_495insT (p.Arg166fs)

Gene: ERCC2 (ERCC excision repair 2, TFIIH core complex helicase subunit; minus strand). Cytogenetic location: 19q13.32.
Variant type: Insertion.
Coding change: c.494_495insT on transcript NM_000400.4 (MANE Select); coding-DNA positions 494 to 495, T inserted.
Protein change: p.Arg166fs; shifts the reading frame from arginine 166.
Molecular consequence: frameshift variant.
Genome position: GRCh38 VCF-style: chr19-45364937-C-CA. GRCh37 (hg19) VCF-style: chr19-45868195-C-CA.
Other names: c.422_423insT, p.Arg142fs (NM_001130867.2); short protein forms R142fs, R166fs.
Identifiers: ClinVar variation 2650104 (VCV002650104.24), dbSNP rs2514034313, ClinGen allele CA2695198221.
Genomic context (GRCh38, chr19:45,364,937, plus strand): 5'-CCGCCCCAGGGCCTTCAGGTCATCCAGGTTGTAGATGCCAGCGGGGAGGGGCACCTCACG[C>CA]CCATGGGCATCAAATTCCTGGGACAAGAGTGCCAGGGGTCAGGGAGGCTGCCTGCCCCAG-3'

ClinVar aggregate classification (germline): Pathogenic (1 of 4 stars; one submission).

Submission:

CeGaT Center for Human Genetics Tuebingen
Classification: Pathogenic. Last evaluated: 2023-03-01. Review status: criteria provided, single submitter. Criteria: CeGaT Center For Human Genetics Tuebingen Variant Classification Criteria Version 2. Collection method: clinical testing. Allele origin: germline. Affected: yes. Observed: 1 variant allele.
Comment: ERCC2: PVS1, PM2